The following is an entry in ClinVar:

ClinVar aggregate classification (germline): Uncertain significance (1 of 4 stars; one submission).

Conditions:
Cardiovascular phenotype. Identifiers: MedGen CN230736.

Submission:

Ambry Genetics
Classification: Uncertain significance for Cardiovascular phenotype. Last evaluated: 2026-09-11. Review status: criteria provided, single submitter. Criteria: Ambry Variant Classification Scheme 2023. Collection method: clinical testing. Allele origin: germline.
Comment: The p.H524N variant (also known as c.1570C>A), located in coding exon 17 of the MYBPC3 gene, results from a C to A substitution at nucleotide position 1570. The histidine at codon 524 is replaced by asparagine, an amino acid with similar properties. This amino acid position is conserved. In addition, this alteration is predicted to be tolerated by in silico analysis. Based on the available evidence, the clinical significance of this variant remains unclear.

NM_000256.3(MYBPC3):c.1570C>A (p.His524Asn)

Gene: MYBPC3 (myosin binding protein C3; minus strand). Cytogenetic location: 11p11.2.
Variant type: single nucleotide variant.
Coding change: c.1570C>A on transcript NM_000256.3 (MANE Select); coding-DNA position 1570, C replaced by A.
Protein change: p.His524Asn; replaces histidine 524 with asparagine.
Molecular consequence: missense variant.
Genome position (GRCh38, 1-based): chr11:47,342,632, G>T on the plus strand (C>A on the coding strand, the complement: MYBPC3 is on the minus strand). VCF-style: chr11-47342632-G-T. GRCh37 (hg19) VCF-style: chr11-47364183-G-T.
Other names: short protein forms H524N.
Identifiers: ClinVar variation 3297238 (VCV003297238.2).